The following is an entry in ClinVar:

NM_006904.7(PRKDC):c.6500C>T (p.Pro2167Leu)

Gene: PRKDC (protein kinase, DNA-activated, catalytic subunit; minus strand). Cytogenetic location: 8q11.21.
Variant type: single nucleotide variant.
Coding change: c.6500C>T on transcript NM_006904.7 (MANE Select); coding-DNA position 6500, C replaced by T.
Protein change: p.Pro2167Leu; replaces proline 2167 with leucine.
Molecular consequence: missense variant.
Genome position (GRCh38, 1-based): chr8:47,857,265, G>A on the plus strand (C>T on the coding strand, the complement: PRKDC is on the minus strand). VCF-style: chr8-47857265-G-A. GRCh37 (hg19) VCF-style: chr8-48769826-G-A.
Other names: c.6500C>T, p.Pro2167Leu (NM_001081640.2); short protein forms P2167L.
Identifiers: ClinVar variation 1753917 (VCV001753917.2), dbSNP rs2551869752, ClinGen allele CA371160194.

ClinVar aggregate classification (germline): Uncertain significance (1 of 4 stars; one submission).

Submission:

Ambry Genetics
Classification: Uncertain significance. Last evaluated: 2022-04-24. Review status: criteria provided, single submitter. Criteria: Ambry Variant Classification Scheme 2023. Collection method: clinical testing. Allele origin: germline.
Comment: The p.P2167L variant (also known as c.6500C>T), located in coding exon 49 of the PRKDC gene, results from a C to T substitution at nucleotide position 6500. The proline at codon 2167 is replaced by leucine, an amino acid with similar properties. This amino acid position is conserved. Since supporting evidence is limited at this time, the clinical significance of this alteration remains unclear.